The following is an entry in ClinVar:

ClinVar aggregate classification (germline): Uncertain significance. Review status: criteria provided, multiple submitters, no conflicts (2 of 4 stars). 3 submissions from 3 submitters: Uncertain significance (3). Last evaluated 2024-12-24.

gnomAD v4.1: 36 of 1,609,488 alleles (0.0022%); highest among the groups gnomAD compares: Middle Eastern, 0.016%; no homozygotes.

Submissions (3):

Labcorp Genetics (formerly Invitae), Labcorp
Classification: Uncertain significance. Last evaluated: 2024-12-24. Review status: criteria provided, single submitter. Criteria: Invitae Variant Classification Sherloc (09022015). Collection method: clinical testing. Allele origin: germline.
Comment: This sequence change replaces threonine, which is neutral and polar, with methionine, which is neutral and non-polar, at codon 820 of the OTOF protein (p.Thr820Met). This variant is present in population databases (rs762333522, gnomAD 0.01%). This variant has not been reported in the literature in individuals affected with OTOF-related conditions. Invitae Evidence Modeling of protein sequence and biophysical properties (such as structural, functional, and spatial information, amino acid conservation, physicochemical variation, residue mobility, and thermodynamic stability) indicates that this missense variant is not expected to disrupt OTOF protein function with a negative predictive value of 80%. In summary, the available evidence is currently insufficient to determine the role of this variant in disease. Therefore, it has been classified as a Variant of Uncertain Significance.

GeneDx
Classification: Uncertain significance. Last evaluated: 2024-08-16. Review status: criteria provided, single submitter. Criteria: GeneDx Variant Classification Process June 2021. Collection method: clinical testing. Allele origin: germline. Affected: yes.
Comment: In silico analysis supports that this missense variant has a deleterious effect on protein structure/function; Has not been previously published as pathogenic or benign to our knowledge

Blueprint Genetics
Classification: Uncertain significance. Last evaluated: 2020-03-06. Review status: criteria provided, single submitter. Criteria: ACMG Guidelines, 2015. Collection method: clinical testing. Allele origin: germline.

NM_194248.3(OTOF):c.2459C>T (p.Thr820Met)

Gene: OTOF (otoferlin; minus strand). Cytogenetic location: 2p23.3.
Variant type: single nucleotide variant.
Coding change: c.2459C>T on transcript NM_194248.3 (MANE Select); coding-DNA position 2459, C replaced by T.
Protein change: p.Thr820Met; replaces threonine 820 with methionine.
Molecular consequence: missense variant.
Genome position (GRCh38, 1-based): chr2:26,477,236, G>A on the plus strand (C>T on the coding strand, the complement: OTOF is on the minus strand). VCF-style: chr2-26477236-G-A. GRCh37 (hg19) VCF-style: chr2-26700104-G-A.
Other names: c.2459C>T, p.Thr820Met (NM_001287489.2); c.218C>T, p.Thr73Met (NM_004802.4, NM_194323.3); c.389C>T, p.Thr130Met (NM_194322.3); short protein forms T130M, T73M, T820M.
Identifiers: ClinVar variation 3727620 (VCV003727620.2).
Genomic context (GRCh38, chr2:26,477,236, plus strand): 5'-TCCGCCAGGAAGCGCAGCTTCTGCAGGAAGTTCTGGCACAGCCTCAGCTTGTCCCGCACC[G>A]TGTGCCGCTTCACCTGGGCCCGCAGCATCCTGGCCTGCTGCCCCATGTTTTCCTGCGAAG-3'
Protein context (NP_919224.1, residues 810-830): RMLRAQVKRH[Thr820Met]VRDKLRLCQN